The following is an entry in ClinVar:

ClinVar aggregate classification (germline): Pathogenic (0 of 4 stars; one submission).

Conditions:
Basan syndrome. Also called: ECTODERMAL DYSPLASIA, ABSENT DERMATOGLYPHIC PATTERN, CHANGES IN NAILS, AND SIMIAN CREASE; Absence of fingerprints congenital milia; Absence of dermatoglyphics congenital milia; Baird syndrome; Absence of fingerprints-congenital milia syndrome. Identifiers: Orphanet 1658, MedGen C0406707, MONDO:0007507, OMIM 129200.

Submission:

Dermatology Genetics Laboratory, Dalhousie University
Classification: Pathogenic for Basan syndrome. Review status: no assertion criteria provided. Collection method: research. Allele origin: inherited. Inheritance: Autosomal dominant inheritance. Affected: yes. Observed: 1 variant allele, 1 heterozygote.
Comment: Heterozygous loss of function variants in the skin-specific isoform of SMARCAD1 are associated with three allelic syndromes; isolated adermatoglyphia, Basan, and Huriez (Nousbeck et al., 2011; Burger et al., 2011; Li, et al., 2016; Marks et al., 2014; Valentin et al., 2018). This complex variant results in the removal of the first 9 exons of SMARCAD1 and exon 1 of its skin-specific isoform. It segregates with Basan phenotype in 12 affected members of a 5-generation family. The variant includes a deletion of ~50.9-kb (hg38 chr4:94,203365-94,254,728) and a duplication of ~23.4-kb (hg38 chr4:94,175,790-94, 199182). The duplication is an inverted non-tandem duplication. The inverted copy is inserted downstream at position chr4:94,203365.

Literature cited by the submitters: DOI 10.1016/j.xjidi.2021.100022.

Single allele

Genes: SMARCAD1 (SNF2 related chromatin remodeling ATPase with DExD box 1; plus strand), SMARCAD1-DT (SMARCAD1 divergent transcript; minus strand), LOC129992843 (ATAC-STARR-seq lymphoblastoid active region 21729; plus strand). Cytogenetic location: 4q22.2-22.3.
Variant type: Complex.
Identifiers: ClinVar variation 1050853 (VCV001050853.5).